The following is an entry in ClinVar:

ClinVar aggregate classification (germline): Likely benign. Review status: criteria provided, multiple submitters, no conflicts (2 of 4 stars). 2 submissions from 2 submitters: Likely benign (2). Last evaluated 2026-09-30.

Conditions:
Rhabdoid tumor predisposition syndrome 2 (RTPS2). Identifiers: Orphanet 231108, Orphanet 69077, MedGen C2750074, MONDO:0013224, OMIM 613325.

Allele frequency attached by ClinVar (database versions not stated): gnomAD exomes 0.00001 and 0.00002.
gnomAD v4.1: 17 of 1,581,626 alleles (0.0011%); highest among the groups gnomAD compares: South Asian, 0.02%; 1 homozygote.

Submissions (2):

Myriad Genetics, Inc.
Classification: Likely benign for Rhabdoid tumor predisposition syndrome 2. Last evaluated: 2026-09-30. Review status: criteria provided, single submitter. Criteria: Myriad Autosomal Dominant, Autosomal Recessive and X-Linked Classification Criteria (2023). Collection method: clinical testing. Allele origin: unknown.
Comment: This variant is considered likely benign. This variant is intronic and is not expected to impact mRNA splicing.

Labcorp Genetics (formerly Invitae), Labcorp
Classification: Likely benign for Rhabdoid tumor predisposition syndrome 2. Last evaluated: 2026-01-13. Review status: criteria provided, single submitter. Criteria: Invitae Variant Classification Sherloc (09022015). Collection method: clinical testing. Allele origin: germline.

NM_003072.5(SMARCA4):c.4769-17C>T

Gene: SMARCA4 (SWI/SNF related BAF chromatin remodeling complex subunit ATPase 4; plus strand). Cytogenetic location: 19p13.2.
Variant type: single nucleotide variant.
Coding change: c.4769-17C>T on transcript NM_003072.5 (MANE Select); 17 bases into the intron before coding-DNA position 4769, C replaced by T.
Molecular consequence: intron variant.
Genome position (GRCh38, 1-based): chr19:11,060,028, C>T. VCF-style: chr19-11060028-C-T. GRCh37 (hg19) VCF-style: chr19-11170704-C-T.
Other names: c.4769-17C>T (NM_001128844.3); c.4865-17C>T (NM_001128849.3, NM_001387283.1); c.4670-17C>T (NM_001128847.4, NM_001374457.1); c.4679-17C>T (NM_001128845.2); c.4676-17C>T (NM_001128846.2); c.4667-17C>T (NM_001128848.2).
Identifiers: ClinVar variation 1609418 (VCV001609418.9), dbSNP rs1182668376, ClinGen allele CA631770000.